The following is an entry in ClinVar:

ClinVar aggregate classification (germline): Uncertain significance (1 of 4 stars; one submission).

Conditions:
Cardiovascular phenotype. Identifiers: MedGen CN230736.

Submission:

Ambry Genetics
Classification: Uncertain significance for Cardiovascular phenotype. Last evaluated: 2026-02-23. Review status: criteria provided, single submitter. Criteria: Ambry Variant Classification Scheme 2023. Collection method: clinical testing. Allele origin: germline.
Comment: The p.Q345L variant (also known as c.1034A>T), located in coding exon 7 of the CBL gene, results from an A to T substitution at nucleotide position 1034. The glutamine at codon 345 is replaced by leucine, an amino acid with dissimilar properties. This amino acid position is conserved. In addition, the in silico prediction for this alteration is inconclusive. Based on the available evidence, the clinical significance of this variant remains unclear.

NM_005188.4(CBL):c.1034A>T (p.Gln345Leu)

Gene: CBL (Cbl proto-oncogene; plus strand). Cytogenetic location: 11q23.3.
Variant type: single nucleotide variant.
Coding change: c.1034A>T on transcript NM_005188.4 (MANE Select); coding-DNA position 1034, A replaced by T.
Protein change: p.Gln345Leu; replaces glutamine 345 with leucine.
Molecular consequence: missense variant.
Genome position (GRCh38, 1-based): chr11:119,277,783, A>T. VCF-style: chr11-119277783-A-T. GRCh37 (hg19) VCF-style: chr11-119148493-A-T.
Other names: short protein forms Q345L.
Identifiers: ClinVar variation 4827360 (VCV004827360.1).